The following is an entry in ClinVar:

ClinVar aggregate classification (germline): Pathogenic (1 of 4 stars; one submission).
ClinVar aggregate classification (oncogenicity): Likely oncogenic (1 of 4 stars; one submission).

Conditions:
Intellectual developmental disorder with seizures and language delay (IDDSELD). Identifiers: MedGen C5436574, MONDO:0033559, OMIM 619000.
Neoplasm. Also called: Neoplasms; Neoplasm (disease); tumor. Identifiers: MedGen C0027651, MeSH D009369, MONDO:0005070, HP:0002664.

Submissions (2):

Center for Genomic Medicine, Rigshospitalet, Copenhagen University Hospital
Classification: Likely oncogenic for Neoplasm. Last evaluated: 2025-12-29. Review status: criteria provided, single submitter. Criteria: ClinGen/CGC/VICC Guidelines for Oncogenicity, 2022. Collection method: clinical testing. Allele origin: somatic. Affected: yes.

Victorian Clinical Genetics Services, Murdoch Childrens Research Institute
Classification: Pathogenic for Intellectual developmental disorder with seizures and language delay. Last evaluated: 2024-10-10. Review status: criteria provided, single submitter. Criteria: ACMG Guidelines, 2015. Collection method: clinical testing. Allele origin: germline. Inheritance: Autosomal dominant inheritance. Affected: yes.
Comment: Based on the classification scheme VCGS_Germline_v1.3.4, this variant is classified as Pathogenic. Following criteria are met: 0102 - Loss of function is a known mechanism of disease in this gene and is associated with intellectual developmental disorder with seizures and language delay (MIM#619000). (I) 0107 - This gene is associated with autosomal dominant disease. (I) 0201 - Variant is predicted to cause nonsense-mediated decay (NMD) and loss of protein (premature termination codon is located at least 54 nucleotides upstream of the final exon-exon junction). (SP) 0251 - This variant is heterozygous. (I) 0301 - Variant is absent from gnomAD (both v2 and v3). (SP) 0701 - Other NMD-predicted variants comparable to the one identified in this case have very strong previous evidence for pathogenicity (DECIPHER). (SP) 0807 - This variant has no previous evidence of pathogenicity. (I) 0905 - No published segregation evidence has been identified for this variant. (I) 1007 - No published functional evidence has been identified for this variant. (I) 1208 - Inheritance information for this variant is not currently available in this individual. (I) Legend: (SP) - Supporting pathogenic, (I) - Information, (SB) - Supporting benign

Literature cited by the submitters: PubMed 39235528 (cited by Center for Genomic Medicine, Rigshospitalet, Copenhagen University Hospital).

NM_001353345.2(SETD1B):c.2992C>T (p.Arg998Ter)

Gene: SETD1B (SET domain containing 1B, histone lysine methyltransferase; plus strand). Cytogenetic location: 12q24.31.
Variant type: single nucleotide variant.
Coding change: c.2992C>T on transcript NM_001353345.2 (MANE Select); coding-DNA position 2992, C replaced by T.
Protein change: p.Arg998Ter; replaces arginine 998 with a stop codon.
Molecular consequence: nonsense.
Genome position (GRCh38, 1-based): chr12:121,817,384, C>T. VCF-style: chr12-121817384-C-T. GRCh37 (hg19) VCF-style: chr12-122255290-C-T.
Other names: short protein forms R998*.
Identifiers: ClinVar variation 3377229 (VCV003377229.2).